The following is an entry in ClinVar:

ClinVar aggregate classification (germline): Uncertain significance (1 of 4 stars; one submission).

Conditions:
Bethlem myopathy 1A. Also called: Bethlem Muscular Dystrophy; MYOPATHY, BENIGN CONGENITAL, WITH CONTRACTURES; Bethlem myopathy 1. Identifiers: Orphanet 610, MedGen CN029274, MONDO:0024530, OMIM 158810.

Submission:

Labcorp Genetics (formerly Invitae), Labcorp
Classification: Uncertain significance for Bethlem myopathy 1A. Last evaluated: 2020-09-20. Review status: criteria provided, single submitter. Criteria: Invitae Variant Classification Sherloc (09022015). Collection method: clinical testing. Allele origin: germline.
Comment: This sequence change replaces glycine with aspartic acid at codon 139 of the COL6A3 protein (p.Gly139Asp). The glycine residue is weakly conserved and there is a moderate physicochemical difference between glycine and aspartic acid. Advanced modeling of protein sequence and biophysical properties (such as structural, functional, and spatial information, amino acid conservation, physicochemical variation, residue mobility, and thermodynamic stability) performed at Invitae indicates that this missense variant is not expected to disrupt COL6A3 protein function. In summary, the available evidence is currently insufficient to determine the role of this variant in disease. Therefore, it has been classified as a Variant of Uncertain Significance. This variant has not been reported in the literature in individuals with COL6A3-related conditions. This variant is not present in population databases (ExAC no frequency).

NM_004369.4(COL6A3):c.416G>A (p.Gly139Asp)

Gene: COL6A3 (collagen type VI alpha 3 chain; minus strand). Cytogenetic location: 2q37.3.
Variant type: single nucleotide variant.
Coding change: c.416G>A on transcript NM_004369.4 (MANE Select); coding-DNA position 416, G replaced by A.
Protein change: p.Gly139Asp; replaces glycine 139 with aspartic acid.
Molecular consequence: missense variant. On other transcripts: intron variant (4).
Genome position (GRCh38, 1-based): chr2:237,394,880, C>T on the plus strand (G>A on the coding strand, the complement: COL6A3 is on the minus strand). VCF-style: chr2-237394880-C-T. GRCh37 (hg19) VCF-style: chr2-238303523-C-T.
Other names: c.91+1847G>A (NM_057166.5, NM_057167.4, NM_057164.5 and 1 more transcripts); short protein forms G139D.
Identifiers: ClinVar variation 1019361 (VCV001019361.9), dbSNP rs780669785, ClinGen allele CA351227105.
Genomic context (GRCh38, chr2:237,394,880, plus strand): 5'-GCAAGGCCATCCTTCGAGTGTCCATCAGTTAACACTACGATAACCTGAGGGACTCCGTCA[C>T]CGGCCCGGCTTCCAGCAGCCTTGGTGAGGTGGCTTTGCATTATGTATTCTAATCCTTTTC-3'
Protein context (NP_004360.2, residues 129-149): HLTKAAGSRA[Gly139Asp]DGVPQVIVVL